The following is an entry in ClinVar:

NM_014159.7(SETD2):c.2024G>A (p.Gly675Glu)

Gene: SETD2 (SET domain containing 2, histone lysine methyltransferase; minus strand). Cytogenetic location: 3p21.31.
Variant type: single nucleotide variant.
Coding change: c.2024G>A on transcript NM_014159.7 (MANE Select); coding-DNA position 2024, G replaced by A.
Protein change: p.Gly675Glu; replaces glycine 675 with glutamic acid.
Molecular consequence: missense variant. On other transcripts: non-coding transcript variant (1).
Genome position (GRCh38, 1-based): chr3:47,122,612, C>T on the plus strand (G>A on the coding strand, the complement: SETD2 is on the minus strand). VCF-style: chr3-47122612-C-T. GRCh37 (hg19) VCF-style: chr3-47164102-C-T.
Other names: c.1892G>A, p.Gly631Glu (NM_001349370.3); short protein forms G631E, G675E.
Identifiers: ClinVar variation 1700877 (VCV001700877.3), dbSNP rs568134733, ClinGen allele CA2363597.

ClinVar aggregate classification (germline): Likely benign (1 of 4 stars; one submission).

Allele frequency attached by ClinVar (database versions not stated): gnomAD exomes below 0.00001 and 0.00002; gnomAD 0.00001 and 0.00002; ExAC 0.00003; 1000 Genomes Project 30x 0.00031; 1000 Genomes Project 0.00040.
gnomAD v4.1: 5 of 1,613,964 alleles (0.00031%); highest among the groups gnomAD compares: East Asian, 0.0089%; no homozygotes.

Submission:

GeneDx
Classification: Likely benign. Last evaluated: 2022-08-26. Review status: criteria provided, single submitter. Criteria: GeneDx Variant Classification Process June 2021. Collection method: clinical testing. Allele origin: germline. Affected: yes.
Comment: See Variant Classification Assertion Criteria.